The following continues an entry in ClinVar:

NM_000030.3(AGXT):c.33dup (p.Lys12fs)

Gene: AGXT. ClinVar aggregate classification (germline): Pathogenic. Pathogenic (22).

Submissions 13 to 29 of 29:

Revvity Omics, Revvity
Classification: Pathogenic for Primary hyperoxaluria, type I. Last evaluated: 2023-11-17. Review status: criteria provided, single submitter. Criteria: ACMG Guidelines, 2015. Collection method: clinical testing. Allele origin: germline.

Molecular Genetics, Royal Melbourne Hospital
Classification: Pathogenic for Alanine glyoxylate aminotransferase deficiency. Last evaluated: 2023-04-11. Review status: criteria provided, single submitter. Criteria: ACMG Guidelines, 2015. Collection method: clinical testing. Allele origin: germline. Affected: yes.
Comment: This sequence change in AGXT is a frameshift variant predicted to cause a premature stop codon, p.(Lys12Glnfs*156), in biologically relevant exon 4/11 leading to nonsense-mediated decay in a gene in which loss-of-function is an established disease mechanism. The highest population minor allele frequency in the population database gnomAD v3.1 is 0.02% (1/4,750 alleles) in the South Asian population, which is consistent with recessive disease. The variant is one of the most commonly reported pathogenic variants in AGXT. It has been identified in the homozygous state and compound heterozygous with a second pathogenic variant in multiple individuals with clinical/biochemical diagnosis of primary hyperoxaluria (PMID: 15110324, 20301460). Based on the classification scheme RMH Modified ACMG/AMP Guidelines v1.6.1, this variant is classified as PATHOGENIC. Following criteria are met: PVS1, PM3_Strong, PM2_Supporting.

Institute for Genomic Statistics and Bioinformatics, University Hospital Bonn
Classification: Pathogenic for Primary hyperoxaluria, type I. Last evaluated: 2022-03-10. Review status: criteria provided, single submitter. Criteria: ACMG Guidelines, 2015. Collection method: clinical testing. Allele origin: germline. Inheritance: Autosomal recessive inheritance. Affected: yes. Observed: 4 homozygotes.

Institute of Human Genetics, Clinical Exome/Genome Diagnostics Group, University Hospital Bonn
Classification: Pathogenic for Primary hyperoxaluria, type I. Last evaluated: 2021-11-11. Review status: criteria provided, single submitter. Criteria: ACMG Guidelines, 2015. Collection method: clinical testing. Allele origin: biparental. Affected: yes.
Comment: PVS1, PS3, PS4_moderate

GeneDx
Classification: Pathogenic. Last evaluated: 2020-02-26. Review status: criteria provided, single submitter. Criteria: GeneDx Variant Classification Process June 2021. Collection method: clinical testing. Allele origin: germline. Affected: yes.
Comment: Frameshift variant predicted to result in protein truncation or nonsense mediated decay in a gene for which loss-of-function is a known mechanism of disease; This variant is associated with the following publications: (PMID: 32556641, 31980526, 15110324, 31102713, 29127259, 29456205, 30655312, 30341509, 28619084, 10453743, 20549407, 16931222, 27135212, 28969594)

Myriad Genetics, Inc.
Classification: Pathogenic for Primary hyperoxaluria, type I. Last evaluated: 2019-12-20. Review status: criteria provided, single submitter. Criteria: Myriad Women's Health Autosomal Recessive and X-Linked Classification Criteria (2019). Collection method: clinical testing. Allele origin: unknown.
Comment: NM_000030.2(AGXT):c.33dupC(K12Qfs*156) is classified as pathogenic in the context of primary hyperoxaluria type 1. Sources cited for classification include the following: PMID 17495019. Classification of NM_000030.2(AGXT):c.33dupC(K12Qfs*156) is based on the following criteria: The variant causes a premature termination codon that is expected to be targeted by nonsense-mediated mRNA decay and is reported in individuals with the relevant phenotype. Please note: this variant was assessed in the context of healthy population screening.

Mendelics
Classification: Pathogenic for Primary hyperoxaluria, type I. Last evaluated: 2019-05-28. Review status: criteria provided, single submitter. Criteria: Mendelics Assertion Criteria 2017. Collection method: clinical testing. Allele origin: unknown.

Women's Health and Genetics/Laboratory Corporation of America, LabCorp
Classification: Pathogenic for Primary hyperoxaluria. Last evaluated: 2018-09-24. Review status: criteria provided, single submitter. Criteria: LabCorp Variant Classification Summary - May 2015. Collection method: clinical testing. Allele origin: germline.
Comment: Variant summary: AGXT c.33dupC (p.Lys12GlnfsX156) results in a premature termination codon, predicted to cause a truncation of the encoded protein or absence of the protein due to nonsense mediated decay, which are commonly known mechanisms for disease. The variant allele was found at a frequency of 0.00016 in 30572 control chromosomes (gnomAD). This frequency is not higher than expected for a pathogenic variant in AGXT causing Primary Hyperoxaluria Type 1 (0.00047 vs 0.0024), allowing no conclusion about variant significance. c.33dupC has been reported in the literature in a multiple affected individuals with Primary Hyperoxaluria Type 1 (Rumsby_2004, Mbarek_2017). These data indicate that the variant is very likely to be associated with disease. At least one publication reports experimental evidence evaluating an impact on protein function. The most pronounced variant effect results in <10% of normal activity (Rumsby 2004). A ClinVar submission from a clinical diagnostic laboratory (evaluation after 2014) cites the variant as pathogenic. Based on the evidence outlined above, the variant was classified as pathogenic.

Department of Genetics, Sultan Qaboos University Hospital
Classification: Pathogenic for Primary hyperoxaluria, type I. Last evaluated: 2017-12-30. Review status: criteria provided, single submitter. Criteria: ACMG Guidelines, 2015. Collection method: clinical testing. Allele origin: unknown. Affected: yes.

Broad Center for Mendelian Genomics, Broad Institute of MIT and Harvard
Classification: Pathogenic for Primary hyperoxaluria, type I. Review status: criteria provided, single submitter. Criteria: ACMG Guidelines, 2015. Collection method: research. Allele origin: germline. Inheritance: Autosomal recessive inheritance. Affected: yes. Observed: 1 variant allele, 1 homozygote. Study: Broad Institute Center for Mendelian Genomics (CMG).
Comment: The c.33dupC is a well-established known pathogenic variant and loss of function is a known mechanism of disease in the AGXT gene.

Chinese Inherited Urolithiasis Consortium, The Affiliated Yantai Yuhuangding Hospital of Qingdao University
Classification: Pathogenic for Primary hyperoxaluria, type I. Last evaluated: 2024-08-26. Review status: no assertion criteria provided. Collection method: clinical testing. Allele origin: paternal, maternal, biparental. Affected: yes. Observed: 9 variant alleles. Not counted in ClinVar's aggregate classification.

Yale Center for Mendelian Genomics, Yale University
Classification: Pathogenic for Primary hyperoxaluria, type I. Last evaluated: 2019-01-17. Review status: no assertion criteria provided. Collection method: literature only. Allele origin: germline. Affected: yes. Observed: 1 compound heterozygote. Study: Yale Center for Mendelian Genomics. Not counted in ClinVar's aggregate classification.

Yale Center for Mendelian Genomics, Yale University
Classification: Likely pathogenic for Nephrotic syndrome. Last evaluated: 2017-11-10. Review status: no assertion criteria provided. Collection method: literature only. Allele origin: germline. Affected: yes. Observed: 1 homozygote. Study: Yale Center for Mendelian Genomics. Not counted in ClinVar's aggregate classification.

Clinical Biochemistry Laboratory, Health Services Laboratory
Classification: Pathogenic for Primary hyperoxaluria, type I. Last evaluated: 2014-11-27. Review status: no assertion criteria provided. Collection method: research. Allele origin: germline. Affected: yes. Not counted in ClinVar's aggregate classification.

OMIM
Classification: Pathogenic for HYPEROXALURIA, PRIMARY, TYPE I. Last evaluated: 2004-09-01. Review status: no assertion criteria provided. Collection method: literature only. Allele origin: germline. Not counted in ClinVar's aggregate classification.

GeneReviews
No classification provided. Condition: Primary hyperoxaluria, type I. Review status: no classification provided. Collection method: literature only. Allele origin: germline. Affected: yes. Not counted in ClinVar's aggregate classification.

Genomics And Bioinformatics Analysis Resource, Columbia University
Classification: Pathogenic for Primary hyperoxaluria, type I. Review status: no assertion criteria provided. Collection method: research. Allele origin: unknown. Affected: yes. Not counted in ClinVar's aggregate classification.

Literature cited by the submitters: PubMed 20301460 (cited by Victorian Clinical Genetics Services, Murdoch Childrens Research Institute and Molecular Genetics, Royal Melbourne Hospital); PubMed 19479957 (cited by Labcorp Genetics (formerly Invitae), Labcorp); PubMed 15327387 (cited by 3 submitters); PubMed 25629080 (cited by Labcorp Genetics (formerly Invitae), Labcorp and Ambry Genetics); PubMed 27135212 (cited by Labcorp Genetics (formerly Invitae), Labcorp and Rare Kidney Stone Consortium and the Mayo Clinic Hyperoxaluria Center, Mayo Clinic); PubMed 16931222 (cited by Rare Kidney Stone Consortium and the Mayo Clinic Hyperoxaluria Center, Mayo Clinic); PubMed 20549407 (cited by Rare Kidney Stone Consortium and the Mayo Clinic Hyperoxaluria Center, Mayo Clinic); PubMed 28969594 (cited by Rare Kidney Stone Consortium and the Mayo Clinic Hyperoxaluria Center, Mayo Clinic); PubMed 28619084 (cited by 3 submitters); PubMed 30341509 (cited by Rare Kidney Stone Consortium and the Mayo Clinic Hyperoxaluria Center, Mayo Clinic); PubMed 29456205 (cited by Rare Kidney Stone Consortium and the Mayo Clinic Hyperoxaluria Center, Mayo Clinic); PubMed 29127259 (cited by Rare Kidney Stone Consortium and the Mayo Clinic Hyperoxaluria Center, Mayo Clinic and Yale Center for Mendelian Genomics, Yale University); PubMed 31589614 (cited by Rare Kidney Stone Consortium and the Mayo Clinic Hyperoxaluria Center, Mayo Clinic); PubMed 30655312 (cited by Rare Kidney Stone Consortium and the Mayo Clinic Hyperoxaluria Center, Mayo Clinic and Yale Center for Mendelian Genomics, Yale University); PubMed 31328266 (cited by Rare Kidney Stone Consortium and the Mayo Clinic Hyperoxaluria Center, Mayo Clinic); PubMed 33495102 (cited by Rare Kidney Stone Consortium and the Mayo Clinic Hyperoxaluria Center, Mayo Clinic); PubMed 31980526 (cited by Rare Kidney Stone Consortium and the Mayo Clinic Hyperoxaluria Center, Mayo Clinic); PubMed 33226606 (cited by Rare Kidney Stone Consortium and the Mayo Clinic Hyperoxaluria Center, Mayo Clinic); PubMed 32556641 (cited by Rare Kidney Stone Consortium and the Mayo Clinic Hyperoxaluria Center, Mayo Clinic); PubMed 34686543 (cited by Rare Kidney Stone Consortium and the Mayo Clinic Hyperoxaluria Center, Mayo Clinic); PubMed 33443292 (cited by Rare Kidney Stone Consortium and the Mayo Clinic Hyperoxaluria Center, Mayo Clinic); PubMed 34082749 (cited by Rare Kidney Stone Consortium and the Mayo Clinic Hyperoxaluria Center, Mayo Clinic); PubMed 35661454 (cited by Rare Kidney Stone Consortium and the Mayo Clinic Hyperoxaluria Center, Mayo Clinic); PubMed 35812297 (cited by Rare Kidney Stone Consortium and the Mayo Clinic Hyperoxaluria Center, Mayo Clinic); PubMed 35612621 (cited by Rare Kidney Stone Consortium and the Mayo Clinic Hyperoxaluria Center, Mayo Clinic); PubMed 36151119 (cited by Rare Kidney Stone Consortium and the Mayo Clinic Hyperoxaluria Center, Mayo Clinic); PubMed 35149915 (cited by Rare Kidney Stone Consortium and the Mayo Clinic Hyperoxaluria Center, Mayo Clinic and Natera, Inc.); PubMed 36409364 (cited by Rare Kidney Stone Consortium and the Mayo Clinic Hyperoxaluria Center, Mayo Clinic); PubMed 38445424 (cited by Rare Kidney Stone Consortium and the Mayo Clinic Hyperoxaluria Center, Mayo Clinic); PubMed 36619171 (cited by Rare Kidney Stone Consortium and the Mayo Clinic Hyperoxaluria Center, Mayo Clinic); PubMed 37248651 (cited by Rare Kidney Stone Consortium and the Mayo Clinic Hyperoxaluria Center, Mayo Clinic); PubMed 36938085 (cited by Rare Kidney Stone Consortium and the Mayo Clinic Hyperoxaluria Center, Mayo Clinic); PubMed 36871948 (cited by Rare Kidney Stone Consortium and the Mayo Clinic Hyperoxaluria Center, Mayo Clinic); PubMed 38057357 (cited by Rare Kidney Stone Consortium and the Mayo Clinic Hyperoxaluria Center, Mayo Clinic); PubMed 37306718 (cited by Rare Kidney Stone Consortium and the Mayo Clinic Hyperoxaluria Center, Mayo Clinic); PubMed 37464296 (cited by Rare Kidney Stone Consortium and the Mayo Clinic Hyperoxaluria Center, Mayo Clinic); PubMed 37144129 (cited by Rare Kidney Stone Consortium and the Mayo Clinic Hyperoxaluria Center, Mayo Clinic); PubMed 37874369 (cited by Rare Kidney Stone Consortium and the Mayo Clinic Hyperoxaluria Center, Mayo Clinic); PubMed 37139236 (cited by Rare Kidney Stone Consortium and the Mayo Clinic Hyperoxaluria Center, Mayo Clinic); PubMed 38290500 (cited by Rare Kidney Stone Consortium and the Mayo Clinic Hyperoxaluria Center, Mayo Clinic); PubMed 38657121 (cited by Rare Kidney Stone Consortium and the Mayo Clinic Hyperoxaluria Center, Mayo Clinic); PubMed 40585464 (cited by Rare Kidney Stone Consortium and the Mayo Clinic Hyperoxaluria Center, Mayo Clinic); PubMed 40794449 (cited by Rare Kidney Stone Consortium and the Mayo Clinic Hyperoxaluria Center, Mayo Clinic); PubMed 15110324 (cited by Molecular Genetics, Royal Melbourne Hospital); PubMed 17495019 (cited by Myriad Genetics, Inc.); PubMed 10453743 (cited by Clinical Biochemistry Laboratory, Health Services Laboratory); PubMed 15464418 (cited by OMIM); NCBI Bookshelf NBK1283 (cited by GeneReviews).